The following is an entry in ClinVar:

NM_002485.5(NBN):c.1515del (p.Glu505fs)

Gene: NBN (nibrin; minus strand). Cytogenetic location: 8q21.3.
Variant type: Deletion.
Coding change: c.1515del on transcript NM_002485.5 (MANE Select); coding-DNA position 1515, one base deleted (G; older notation c.1515delG).
Protein change: p.Glu505fs; shifts the reading frame from glutamic acid 505.
Molecular consequence: frameshift variant.
Genome position (GRCh38, 1-based): chr8:89,953,574, C deleted on the plus strand (G on the coding strand, the reverse complement: NBN is on the minus strand). VCF-style (leftmost placement, unchanged base first): chr8-89953573-GC-G. GRCh37 (hg19) VCF-style: chr8-90965801-GC-G.
Other names: c.1269del, p.Glu423fs (NM_001024688.3); c.1515delG (NM_002485.4); short protein forms E505fs, E423fs.
Identifiers: ClinVar variation 484000 (VCV000484000.22), dbSNP rs759232053, ClinGen allele CA4802707.

ClinVar aggregate classification (germline): Pathogenic/Likely pathogenic. Review status: criteria provided, multiple submitters, no conflicts (2 of 4 stars). 8 submissions from 8 submitters: Pathogenic (3); Likely pathogenic (5). Last evaluated 2024-05-10.

Conditions:
Microcephaly, normal intelligence and immunodeficiency (NBS). Also called: Nijmegen breakage syndrome; Microcephaly with normal intelligence immunodeficiency and lymphoreticular malignancies; Nonsyndromal microcephaly autosomal recessive with normal intelligence; Seemanova syndrome 2; Immunodeficiency, microcephaly with normal intelligence; BERLIN BREAKAGE SYNDROME. Identifiers: Orphanet 647, MedGen C0398791, MONDO:0009623, OMIM 251260.
Aplastic anemia. Identifiers: Orphanet 182040, Orphanet 88, MedGen C0002874, MONDO:0015909, OMIM 609135, HP:0001915.
Acute lymphoid leukemia (ALL). Also called: Lymphoblastic leukemia; Leukemia, acute lymphoblastic, somatic; Acute lymphoblastic leukemia; Acute lymphocytic leukemia. Identifiers: Orphanet 513, MedGen C0023449, MONDO:0004967, OMIM 613065, HP:0006721.
Hereditary cancer-predisposing syndrome. Also called: Tumor predisposition; Hereditary neoplastic syndrome; Neoplastic Syndromes, Hereditary; Hereditary Cancer Syndrome. Identifiers: Orphanet 140162, MedGen C0027672, MeSH D009386, MONDO:0015356.

Allele frequency attached by ClinVar (database versions not stated): TOPMed below 0.00001; ExAC 0.00001; gnomAD exomes below 0.00001.

Submissions (8):

Natera, Inc.
Classification: Likely pathogenic for Nijmegen breakage syndrome. Last evaluated: 2024-05-10. Review status: criteria provided, single submitter. Criteria: Natera Variant Classification Schema (03/2026). Collection method: clinical testing. Allele origin: germline.
Comment: The c.1515delG variant in NBN is a frameshift variant predicted to shift the reading frame beginning at codon 505 and leads to a stop codon 24 codons downstream. This variant is expected to result in nonsense mediated decay, truncation, or a dysfunctional protein product. This variant is rare in the general population with a frequency below the threshold expected for the associated phenotype(s). Given the available evidence, this variant is classified as Likely Pathogenic.

Baylor Genetics
Classification: Likely pathogenic for Aplastic anemia. Last evaluated: 2024-03-26. Review status: criteria provided, single submitter. Criteria: ACMG Guidelines, 2015. Collection method: clinical testing. Allele origin: unknown.

Labcorp Genetics (formerly Invitae), Labcorp
Classification: Pathogenic for Microcephaly, normal intelligence and immunodeficiency. Last evaluated: 2024-01-11. Review status: criteria provided, single submitter. Criteria: Invitae Variant Classification Sherloc (09022015). Collection method: clinical testing. Allele origin: germline.
Comment: This sequence change creates a premature translational stop signal (p.Glu505Aspfs*24) in the NBN gene. It is expected to result in an absent or disrupted protein product. Loss-of-function variants in NBN are known to be pathogenic (PMID: 9590180, 16415040). This variant is present in population databases (rs759232053, gnomAD 0.003%). This variant has not been reported in the literature in individuals affected with NBN-related conditions. ClinVar contains an entry for this variant (Variation ID: 484000). For these reasons, this variant has been classified as Pathogenic.

Fulgent Genetics
Classification: Likely pathogenic for Microcephaly, normal intelligence and immunodeficiency; Aplastic anemia; Acute lymphoid leukemia. Last evaluated: 2024-01-05. Review status: criteria provided, single submitter. Criteria: ACMG Guidelines, 2015. Collection method: clinical testing. Allele origin: germline.

GeneDx
Classification: Likely pathogenic. Last evaluated: 2023-12-07. Review status: criteria provided, single submitter. Criteria: GeneDx Variant Classification Process June 2021. Collection method: clinical testing. Allele origin: germline.
Comment: Frameshift variant predicted to result in protein truncation or nonsense mediated decay in a gene for which loss of function is a known mechanism of disease; Not observed at significant frequency in large population cohorts (gnomAD); Has not been previously published as pathogenic or benign to our knowledge

Ambry Genetics
Classification: Pathogenic for Hereditary cancer-predisposing syndrome. Last evaluated: 2022-06-20. Review status: criteria provided, single submitter. Criteria: Ambry Variant Classification Scheme 2023. Collection method: clinical testing. Allele origin: germline.
Comment: The c.1515delG pathogenic mutation, located in coding exon 11 of the NBN gene, results from a deletion of one nucleotide at nucleotide position 1515, causing a translational frameshift with a predicted alternate stop codon (p.E505Dfs*24). This alteration is expected to result in loss of function by premature protein truncation or nonsense-mediated mRNA decay. As such, this alteration is interpreted as a disease-causing mutation.

Genome-Nilou Lab
Classification: Pathogenic for Microcephaly, normal intelligence and immunodeficiency. Last evaluated: 2021-11-07. Review status: criteria provided, single submitter. Criteria: ACMG Guidelines, 2015. Collection method: clinical testing. Allele origin: germline. Affected: no.

Women's Health and Genetics/Laboratory Corporation of America, LabCorp
Classification: Likely pathogenic for Microcephaly, normal intelligence and immunodeficiency. Last evaluated: 2018-08-27. Review status: criteria provided, single submitter. Criteria: LabCorp Variant Classification Summary - May 2015. Collection method: clinical testing. Allele origin: germline.
Comment: Variant summary: NBN c.1515delG (p.Glu505AspfsX24) results in a premature termination codon, predicted to cause a truncation of the encoded protein or absence of the protein due to nonsense mediated decay, which are commonly known mechanisms for disease. A truncation downstream of this position have been classified as pathogenic by our laboratory (c.2117C>G (p.Ser706X)). The variant allele was found at a frequency of 4.1e-06 in 245770 control chromosomes (gnomAD). To our knowledge, no occurrence of c.1515delG in individuals affected with Nijmegen Breakage Syndrome and no experimental evidence demonstrating its impact on protein function have been reported. One clinical diagnostic laboratory has submitted clinical-significance assessments for this variant to ClinVar after 2014 without evidence for independent evaluation, and classified the variant as pathogenic. Based on the evidence outlined above, the variant was classified as likely pathogenic.

Literature cited by the submitters: PubMed 9590180 (cited by Labcorp Genetics (formerly Invitae), Labcorp); PubMed 16415040 (cited by Labcorp Genetics (formerly Invitae), Labcorp).